The following is an entry in ClinVar:

NM_024422.6(DSC2):c.631-188C>T

Gene: DSC2 (desmocollin 2; minus strand). Cytogenetic location: 18q12.1.
Variant type: single nucleotide variant.
Coding change: c.631-188C>T on transcript NM_024422.6 (MANE Select); 188 bases into the intron before coding-DNA position 631, C replaced by T.
Molecular consequence: intron variant.
Genome position (GRCh38, 1-based): chr18:31,088,001, G>A on the plus strand (C>T on the coding strand, the complement: DSC2 is on the minus strand). VCF-style: chr18-31088001-G-A. GRCh37 (hg19) VCF-style: chr18-28667964-G-A.
Other names: c.631-188C>T (NM_004949.5).
Identifiers: ClinVar variation 672123 (VCV000672123.1), dbSNP rs2276373, ClinGen allele CA15919744.

ClinVar aggregate classification (germline): Benign (1 of 4 stars; one submission).

Allele frequency attached by ClinVar (database versions not stated): gnomAD 0.25477 and 0.25799; TOPMed 0.26972; 1000 Genomes Project 30x 0.27951; 1000 Genomes Project 0.28235.
gnomAD v4.1: 39,099 of 151,974 alleles (26%); highest among the groups gnomAD compares: Middle Eastern, 33%; 5,171 homozygotes.

Submission:

GeneDx
Classification: Benign. Last evaluated: 2018-06-16. Review status: criteria provided, single submitter. Criteria: GeneDx Variant Classification (06012015). Collection method: clinical testing. Allele origin: germline. Affected: yes.
Comment: This variant is considered likely benign or benign based on one or more of the following criteria: it is a conservative change, it occurs at a poorly conserved position in the protein, it is predicted to be benign by multiple in silico algorithms, and/or has population frequency not consistent with disease.